The following is an entry in ClinVar:

ClinVar aggregate classification (germline): Likely benign (1 of 4 stars; one submission).

Conditions:
Multiple endocrine neoplasia type 2A. Also called: Multiple Endocrine Neoplasia Type 2A (MEN2A); MULTIPLE ENDOCRINE NEOPLASIA, TYPE IIA; PTC SYNDROME; SIPPLE SYNDROME; MEN 2A; MEN-2A syndrome. Identifiers: Orphanet 247698, Orphanet 653, MedGen C0025268, MeSH D018813, MONDO:0008234, OMIM 171400.

gnomAD v4.1: 1 of 1,610,002 alleles (0.000062%); highest among the groups gnomAD compares: Non-Finnish European, 0.000085%; no homozygotes.

Submission:

Myriad Genetics, Inc.
Classification: Likely benign for Multiple endocrine neoplasia type 2A. Last evaluated: 2025-02-27. Review status: criteria provided, single submitter. Criteria: Myriad Autosomal Dominant, Autosomal Recessive and X-Linked Classification Criteria (2023). Collection method: clinical testing. Allele origin: unknown.
Comment: This variant is considered likely benign. This variant is intronic and is not expected to impact mRNA splicing.

NM_020975.6(RET):c.2801+10G>T

Genes: RET (ret proto-oncogene; plus strand), LOC130003710 (ATAC-STARR-seq lymphoblastoid active region 3286; plus strand). Cytogenetic location: 10q11.21.
Variant type: single nucleotide variant.
Coding change: c.2801+10G>T on transcript NM_020975.6 (MANE Select); 10 bases into the intron after coding-DNA position 2801, G replaced by T.
Molecular consequence: intron variant.
Genome position (GRCh38, 1-based): chr10:43,122,026, G>T. VCF-style: chr10-43122026-G-T. GRCh37 (hg19) VCF-style: chr10-43617474-G-T.
Other names: c.2801+10G>T (NM_020630.7, NM_001406743.1, NM_001406744.1 and 2 more transcripts); c.2666+10G>T (NM_001406765.1, NM_001406763.1); c.2405+10G>T (NM_001406772.1, NM_001406769.1); c.2363+10G>T (NM_001406773.1, NM_001406771.1); c.1904+10G>T (NM_001406782.1, NM_001406780.1, NM_001406779.1 and 1 more transcripts); c.1769+10G>T (NM_001406787.1); c.1784+10G>T (NM_001406785.1); c.2672+10G>T (NM_001406764.1, NM_001406762.1, NM_001406761.1); and 10 more.
Identifiers: ClinVar variation 3904720 (VCV003904720.1).